The following is an entry in ClinVar:

ClinVar aggregate classification (germline): Uncertain significance (1 of 4 stars; one submission).

Conditions:
Microcephaly, normal intelligence and immunodeficiency (NBS). Also called: BERLIN BREAKAGE SYNDROME; Immunodeficiency, microcephaly with normal intelligence; SEEMANOVA SYNDROME II; Ataxia telangiectasia variant V1; Nijmegen breakage syndrome; IMMUNODEFICIENCY, MICROCEPHALY, AND CHROMOSOMAL INSTABILITY. Identifiers: Orphanet 647, MedGen C0398791, MONDO:0009623, OMIM 251260.

Submission:

Labcorp Genetics (formerly Invitae), Labcorp
Classification: Uncertain significance for Microcephaly, normal intelligence and immunodeficiency. Last evaluated: 2019-04-10. Review status: criteria provided, single submitter. Criteria: Invitae Variant Classification Sherloc (09022015). Collection method: clinical testing. Allele origin: germline.
Comment: This variant is a gross duplication of the genomic region encompassing exons 9-16 of the NBN gene. The 5' boundary is likely confined to intron 8. The 3' end of this event is unknown as it extends beyond the assayed region for this gene and therefore may encompass additional genes. This variant has not been reported in the literature in individuals with an NBN-related disease. Experimental studies and prediction algorithms are not available for this duplication, and the functional significance of the duplicated amino acids is currently unknown. In summary, the exact genomic location of this variant is unknown and the impact of this duplication on NBN protein function has not been established. Therefore, it has been classified as a Variant of Uncertain Significance.

NC_000008.10:g.(?_90947800)_(90971092_?)dup

Genes: NBN (nibrin; minus strand), LOC126860438 (MED14-independent group 3 enhancer GRCh37_chr8:90959982-90961181; plus strand). Cytogenetic location: 8q21.3.
Variant type: Duplication.
Identifiers: ClinVar variation 656842 (VCV000656842.2).